The following is an entry in ClinVar:

NM_000138.5(FBN1):c.4294G>A (p.Asp1432Asn)

Genes: FBN1 (fibrillin 1; minus strand), LOC126862124 (CDK7 strongly-dependent group 2 enhancer GRCh37_chr15:48764566-48765765; plus strand). Cytogenetic location: 15q21.1.
Variant type: single nucleotide variant.
Coding change: c.4294G>A on transcript NM_000138.5 (MANE Select); coding-DNA position 4294, G replaced by A.
Protein change: p.Asp1432Asn; replaces aspartic acid 1432 with asparagine.
Molecular consequence: missense variant.
Genome position (GRCh38, 1-based): chr15:48,472,593, C>T on the plus strand (G>A on the coding strand, the complement: FBN1 is on the minus strand). VCF-style: chr15-48472593-C-T. GRCh37 (hg19) VCF-style: chr15-48764790-C-T.
Other names: short protein forms D1432N.
Identifiers: ClinVar variation 922236 (VCV000922236.8), dbSNP rs778145681, ClinGen allele CA052434.

ClinVar aggregate classification (germline): Uncertain significance. Review status: criteria provided, multiple submitters, no conflicts (2 of 4 stars). 3 submissions from 3 submitters: Uncertain significance (3). Last evaluated 2025-02-03.

Conditions:
Weill-Marchesani syndrome 2, dominant. Also called: FBN1-Related Weill-Marchesani Syndrome; Weill-Marchesani Syndrome, Autosomal Dominant. Identifiers: Orphanet 2084, MedGen C1869115, MONDO:0012013, OMIM 608328.
Progeroid and marfanoid aspect-lipodystrophy syndrome. Also called: MARFANOID-PROGEROID SYNDROME; MARFAN-PROGEROID-LIPODYSTROPHY SYNDROME; Marfan lipodystrophy syndrome; MARFANOID-PROGEROID-LIPODYSTROPHY SYNDROME. Identifiers: Orphanet 300382, MedGen C4310796, MONDO:0014831, OMIM 616914.
Acromicric dysplasia (ACMICD). Also called: Acromicric skeletal dysplasia. Identifiers: Orphanet 969, MedGen C0265287, MONDO:0007055, OMIM 102370.
Ectopia lentis 1, isolated, autosomal dominant (ECTOL1). Identifiers: Orphanet 1885, MedGen C3541518, MONDO:0007514, OMIM 129600.
Geleophysic dysplasia 2 (GPHYSD2). Identifiers: Orphanet 2623, MedGen C3280054, MONDO:0013612, OMIM 614185.
Marfan syndrome (MFS). Also called: Marfan syndrome, classic; Marfan syndrome type 1; Marfan's syndrome; FBN1-Related Marfan Syndrome; MARFAN SYNDROME, TYPE I. Identifiers: Orphanet 284963, Orphanet 558, MedGen C0024796, MONDO:0007947, OMIM 154700.
MASS syndrome (OCTD). Also called: OVERLAP CONNECTIVE TISSUE DISEASE; MASS PHENOTYPE. Identifiers: MedGen C1858556, MONDO:0011431, OMIM 604308.
Stiff skin syndrome (SSKS). Identifiers: Orphanet 2833, MedGen C1861456, MONDO:0008492, OMIM 184900.
Familial thoracic aortic aneurysm and aortic dissection (TAAD). Also called: Thoracic aortic aneurysms and dissections. Identifiers: Orphanet 91387, MedGen C4707243, MONDO:0019625.

Allele frequency attached by ClinVar (database versions not stated): gnomAD exomes below 0.00001; TOPMed below 0.00001; ExAC 0.00001; gnomAD 0.00001.
gnomAD v4.1: 6 of 1,614,058 alleles (0.00037%); highest among the groups gnomAD compares: South Asian, 0.0033%; no homozygotes.

Submissions (3):

Color Diagnostics, LLC DBA Color Health
Classification: Uncertain significance for Familial thoracic aortic aneurysm and aortic dissection. Last evaluated: 2025-02-03. Review status: criteria provided, single submitter. Criteria: ACMG Guidelines, 2015. Collection method: clinical testing. Allele origin: germline.
Comment: This missense variant replaces aspartic acid with asparagine at codon 1432 of the FBN1 protein. Computational prediction tool is inconclusive regarding the impact of this variant on protein structure and function. To our knowledge, functional studies have not been reported for this variant. This variant has not been reported in individuals affected with FBN1-related disorders in the literature. This variant has been identified in 1/251400 chromosomes in the general population by the Genome Aggregation Database (gnomAD). The available evidence is insufficient to determine the role of this variant in disease conclusively. Therefore, this variant is classified as a Variant of Uncertain Significance.

Labcorp Genetics (formerly Invitae), Labcorp
Classification: Uncertain significance for Marfan syndrome; Familial thoracic aortic aneurysm and aortic dissection. Last evaluated: 2023-01-28. Review status: criteria provided, single submitter. Criteria: Invitae Variant Classification Sherloc (09022015). Collection method: clinical testing. Allele origin: germline.
Comment: In summary, the available evidence is currently insufficient to determine the role of this variant in disease. Therefore, it has been classified as a Variant of Uncertain Significance. Advanced modeling of protein sequence and biophysical properties (such as structural, functional, and spatial information, amino acid conservation, physicochemical variation, residue mobility, and thermodynamic stability) has been performed at Invitae for this missense variant, however the output from this modeling did not meet the statistical confidence thresholds required to predict the impact of this variant on FBN1 protein function. ClinVar contains an entry for this variant (Variation ID: 922236). This variant has not been reported in the literature in individuals affected with FBN1-related conditions. This variant is present in population databases (rs778145681, gnomAD 0.003%). This sequence change replaces aspartic acid, which is acidic and polar, with asparagine, which is neutral and polar, at codon 1432 of the FBN1 protein (p.Asp1432Asn).

Fulgent Genetics
Classification: Uncertain significance for Acromicric dysplasia; Ectopia lentis 1, isolated, autosomal dominant; Marfan syndrome; Stiff skin syndrome; MASS syndrome; Weill-Marchesani syndrome 2, dominant; Geleophysic dysplasia 2; Progeroid and marfanoid aspect-lipodystrophy syndrome. Last evaluated: 2021-09-17. Review status: criteria provided, single submitter. Criteria: ACMG Guidelines, 2015. Collection method: clinical testing. Allele origin: unknown.